The following is an entry in ClinVar:

ClinVar aggregate classification (germline): Uncertain significance (1 of 4 stars; one submission).

Submission:

Labcorp Genetics (formerly Invitae), Labcorp
Classification: Uncertain significance. Last evaluated: 2024-09-30. Review status: criteria provided, single submitter. Criteria: Invitae Variant Classification Sherloc (09022015). Collection method: clinical testing. Allele origin: germline.
Comment: This sequence change replaces lysine, which is basic and polar, with isoleucine, which is neutral and non-polar, at codon 950 of the ANKRD26 protein (p.Lys950Ile). This variant is not present in population databases (gnomAD no frequency). This variant has not been reported in the literature in individuals affected with ANKRD26-related conditions. An algorithm developed to predict the effect of missense changes on protein structure and function (PolyPhen-2) suggests that this variant is likely to be disruptive. In summary, the available evidence is currently insufficient to determine the role of this variant in disease. Therefore, it has been classified as a Variant of Uncertain Significance.

NM_014915.3(ANKRD26):c.2849A>T (p.Lys950Ile)

Gene: ANKRD26 (ankyrin repeat domain 26; minus strand). Cytogenetic location: 10p12.1.
Variant type: single nucleotide variant.
Coding change: c.2849A>T on transcript NM_014915.3 (MANE Select); coding-DNA position 2849, A replaced by T.
Protein change: p.Lys950Ile; replaces lysine 950 with isoleucine.
Molecular consequence: missense variant.
Genome position (GRCh38, 1-based): chr10:27,035,601, T>A on the plus strand (A>T on the coding strand, the complement: ANKRD26 is on the minus strand). VCF-style: chr10-27035601-T-A. GRCh37 (hg19) VCF-style: chr10-27324530-T-A.
Other names: c.2846A>T, p.Lys949Ile (NM_001256053.2); short protein forms K950I, K949I.
Identifiers: ClinVar variation 3721935 (VCV003721935.2).